The following is an entry in ClinVar:

NM_000059.4(BRCA2):c.9196C>A (p.Gln3066Lys)

Gene: BRCA2 (BRCA2 DNA repair associated; plus strand). Cytogenetic location: 13q13.1.
Variant type: single nucleotide variant.
Coding change: c.9196C>A on transcript NM_000059.4 (MANE Select); coding-DNA position 9196, C replaced by A.
Protein change: p.Gln3066Lys; replaces glutamine 3066 with lysine.
Molecular consequence: missense variant.
Genome position (GRCh38, 1-based): chr13:32,380,085, C>A. VCF-style: chr13-32380085-C-A. GRCh37 (hg19) VCF-style: chr13-32954222-C-A.
Other names: short protein forms Q3066K.
Identifiers: ClinVar variation 236928 (VCV000236928.9), dbSNP rs80359180, ClinGen allele CA10583151.

ClinVar aggregate classification (germline): Uncertain significance (1 of 4 stars; one submission).

Conditions:
Hereditary breast ovarian cancer syndrome. Also called: BRCA1- and BRCA2-Associated Hereditary Breast and Ovarian Cancer; Hereditary breast and ovarian cancer syndrome; Hereditary breast and ovarian cancer; Hereditary breast and ovarian cancer syndrome (HBOC); Breast and ovarian cancer; Hereditary breast and/or ovarian cancer syndrome. Identifiers: Orphanet 145, MedGen C0677776, MeSH D061325, MONDO:0003582. Disease mechanism: loss of function.

Submission:

Labcorp Genetics (formerly Invitae), Labcorp
Classification: Uncertain significance for Hereditary breast ovarian cancer syndrome. Last evaluated: 2016-01-17. Review status: criteria provided, single submitter. Criteria: Invitae Variant Classification Sherloc (09022015). Collection method: clinical testing. Allele origin: germline.
Comment: In summary, this is a novel missense change with uncertain impact on protein function. It has been classified as a Variant of Uncertain Significance. Algorithms developed to predict the effect of missense changes on protein structure and function do not agree on the potential impact of this missense change (SIFT: "Tolerated"; PolyPhen-2: "Probably Damaging"; Align-GVGD: "Class C0"). This variant is not present in population databases (ExAC no frequency) and has not been reported in the literature in individuals with a BRCA2-related disease. This sequence change replaces glutamine with lysine at codon 3066 of the BRCA2 protein (p.Gln3066Lys). The glutamine residue is moderately conserved and there is a small physicochemical difference between glutamine and lysine.